The following is an entry in ClinVar:

NM_001308093.3(GATA4):c.994C>T (p.Pro332Ser)

Gene: GATA4 (GATA binding protein 4). Cytogenetic location: 8p23.1.
Variant type: single nucleotide variant.
Coding change: c.994C>T on transcript NM_001308093.3 (MANE Select); coding-DNA position 994, C replaced by T.
Protein change: p.Pro332Ser; replaces proline 332 with serine.
Molecular consequence: missense variant.
Genome position (GRCh38, 1-based): chr8:11,755,127, C>T. VCF-style: chr8-11755127-C-T. GRCh37 (hg19) VCF-style: chr8-11612636-C-T.
Other names: c.373C>T, p.Pro125Ser (NM_001308094.2, NM_001374273.1); c.247C>T, p.Pro83Ser (NM_001374274.1); c.991C>T, p.Pro331Ser (NM_002052.5); short protein forms P125S, P331S, P332S, P83S.
Identifiers: ClinVar variation 662472 (VCV000662472.10), dbSNP rs768967856, ClinGen allele CA4630771.

ClinVar aggregate classification (germline): Uncertain significance. Review status: criteria provided, multiple submitters, no conflicts (2 of 4 stars). 2 submissions from 2 submitters: Uncertain significance (2). Last evaluated 2024-06-04.

Conditions:
Cardiovascular phenotype. Identifiers: MedGen CN230736.
Atrioventricular septal defect 4 (AVSD4). Identifiers: MedGen C3280781, MONDO:0013747, OMIM 614430.

Allele frequency attached by ClinVar (database versions not stated): ExAC 0.00001; TOPMed 0.00001; gnomAD 0.00003 and 0.00004.
gnomAD v4.1: 6 of 1,612,150 alleles (0.00037%); highest among the groups gnomAD compares: African/African-American, 0.008%; no homozygotes.

Submissions (2):

Labcorp Genetics (formerly Invitae), Labcorp
Classification: Uncertain significance for Atrioventricular septal defect 4. Last evaluated: 2024-06-04. Review status: criteria provided, single submitter. Criteria: Invitae Variant Classification Sherloc (09022015). Collection method: clinical testing. Allele origin: germline.
Comment: This sequence change replaces proline, which is neutral and non-polar, with serine, which is neutral and polar, at codon 331 of the GATA4 protein (p.Pro331Ser). This variant is present in population databases (rs768967856, gnomAD 0.01%). This variant has not been reported in the literature in individuals affected with GATA4-related conditions. ClinVar contains an entry for this variant (Variation ID: 662472). Advanced modeling of protein sequence and biophysical properties (such as structural, functional, and spatial information, amino acid conservation, physicochemical variation, residue mobility, and thermodynamic stability) performed at Invitae indicates that this missense variant is not expected to disrupt GATA4 protein function with a negative predictive value of 80%. In summary, the available evidence is currently insufficient to determine the role of this variant in disease. Therefore, it has been classified as a Variant of Uncertain Significance.

Ambry Genetics
Classification: Uncertain significance for Cardiovascular phenotype. Last evaluated: 2022-10-03. Review status: criteria provided, single submitter. Criteria: Ambry Variant Classification Scheme 2023. Collection method: clinical testing. Allele origin: germline.
Comment: The p.P331S variant (also known as c.991C>T), located in coding exon 4 of the GATA4 gene, results from a C to T substitution at nucleotide position 991. The proline at codon 331 is replaced by serine, an amino acid with similar properties. This amino acid position is conserved. In addition, this alteration is predicted to be tolerated by in silico analysis. Since supporting evidence is limited at this time, the clinical significance of this alteration remains unclear.